The following is an entry in ClinVar:

ClinVar aggregate classification (germline): Pathogenic (1 of 4 stars; one submission).

Conditions:
Developmental and epileptic encephalopathy, 42 (DEE42A). Also called: DEVELOPMENTAL AND EPILEPTIC ENCEPHALOPATHY 42A; EPILEPTIC ENCEPHALOPATHY, EARLY INFANTILE, 42A; Epileptic encephalopathy, early infantile, 42. Identifiers: MedGen C4310716, MONDO:0014917, OMIM 617106.
Episodic ataxia type 2 (EA2). Also called: ACETAZOLAMIDE-RESPONSIVE HEREDITARY PAROXYSMAL CEREBELLAR ATAXIA; ATAXIA, EPISODIC, WITH NYSTAGMUS; ATAXIA, FAMILIAL PAROXYSMAL; CEREBELLAR ATAXIA, PAROXYSMAL, ACETAZOLAMIDE-RESPONSIVE; CEREBELLOPATHY, HEREDITARY PAROXYSMAL; EPISODIC ATAXIA, NYSTAGMUS-ASSOCIATED. Identifiers: Orphanet 97, MedGen C1720416, MONDO:0007163, OMIM 108500.

Submission:

Labcorp Genetics (formerly Invitae), Labcorp
Classification: Pathogenic for Developmental and epileptic encephalopathy, 42; Episodic ataxia type 2. Last evaluated: 2024-01-21. Review status: criteria provided, single submitter. Criteria: Invitae Variant Classification Sherloc (09022015). Collection method: clinical testing. Allele origin: germline.
Comment: This sequence change creates a premature translational stop signal (p.Gln313*) in the CACNA1A gene. It is expected to result in an absent or disrupted protein product. Loss-of-function variants in CACNA1A are known to be pathogenic (PMID: 10371528, 19486177, 25735478, 27250579). This variant is not present in population databases (gnomAD no frequency). This variant has not been reported in the literature in individuals affected with CACNA1A-related conditions. For these reasons, this variant has been classified as Pathogenic.

Literature cited by the submitters: PubMed 10371528; PubMed 19486177; PubMed 25735478; PubMed 27250579.

NM_001127222.2(CACNA1A):c.937C>T (p.Gln313Ter)

Gene: CACNA1A (calcium voltage-gated channel subunit alpha1 A; minus strand). Cytogenetic location: 19p13.13.
Variant type: single nucleotide variant.
Coding change: c.937C>T on transcript NM_001127222.2 (MANE Select); coding-DNA position 937, C replaced by T.
Protein change: p.Gln313Ter; replaces glutamine 313 with a stop codon.
Molecular consequence: nonsense.
Genome position (GRCh38, 1-based): chr19:13,359,647, G>A on the plus strand (C>T on the coding strand, the complement: CACNA1A is on the minus strand). VCF-style: chr19-13359647-G-A. GRCh37 (hg19) VCF-style: chr19-13470461-G-A.
Other names: c.937C>T, p.Gln313Ter (NM_000068.4, NM_001127221.2, NM_001174080.2 and 1 more transcripts); short protein forms Q313*.
Identifiers: ClinVar variation 2922340 (VCV002922340.3), dbSNP rs2513151820, ClinGen allele CA404347012.
Genomic context (GRCh38, chr19:13,359,647, plus strand): 5'-CTGTCCCAGCATCACTTACATTGTAGAGGAGATCAGTCCACCCTTCCATGGTTATGCACT[G>A]GAAAACAGTCAGCACTGCAAACAGGATGTTGTCGAACTGAGTGATCCCGTTGTTGGGCCC-3'